The following is an entry in ClinVar:

NM_020738.4(KIDINS220):c.2592C>T (p.Asp864=)

Gene: KIDINS220 (kinase D interacting substrate 220; minus strand). Cytogenetic location: 2p25.1.
Variant type: single nucleotide variant.
Coding change: c.2592C>T on transcript NM_020738.4 (MANE Select); coding-DNA position 2592, C replaced by T.
Protein change: p.Asp864=; no amino-acid change (aspartic acid 864 retained).
Molecular consequence: synonymous variant. On other transcripts: non-coding transcript variant (2).
Genome position (GRCh38, 1-based): chr2:8,778,918, G>A on the plus strand (C>T on the coding strand, the complement: KIDINS220 is on the minus strand). VCF-style: chr2-8778918-G-A. GRCh37 (hg19) VCF-style: chr2-8919048-G-A.
Other names: c.2595C>T, p.Asp865= (NM_001348729.2, NM_001348731.2, NM_001348734.2 and 3 more transcripts); c.2592C>T, p.Asp864= (NM_001348732.2, NM_001348735.2, NM_001348738.2 and 3 more transcripts); c.2466C>T, p.Asp822= (NM_001348736.2).
Identifiers: ClinVar variation 721917 (VCV000721917.11), dbSNP rs200719766, ClinGen allele CA1519944.
Genomic context (GRCh38, chr2:8,778,918, plus strand): 5'-ATTTCAAACTCAAAGTACTTTAGGAGCCTGAGCTTTACCTGTAGTATCTGAGCATGGAAC[G>A]TCTCCATTTGTTGCTGAAGTTACGAGAAATTTTCTTGCATTGCTTAGTCCACGACTATTA-3'
Protein context (NP_065789.1, residues 854-874): KFLVTSATNG[Asp864=]VPCSDTTGIQ

ClinVar aggregate classification (germline): Likely benign. Review status: criteria provided, single submitter (1 of 4 stars). 2 submissions from 2 submitters: Likely benign (1). 1 of the submissions does not count toward it. Last evaluated 2025-10-15.

Conditions:
KIDINS220-related disorder. Also called: KIDINS220-related condition.

Allele frequency attached by ClinVar (database versions not stated): gnomAD 0.00007 and 0.00008; ExAC 0.00008; TOPMed 0.00008; gnomAD exomes 0.00009 and 0.00015; 1000 Genomes Project 30x 0.00016; 1000 Genomes Project 0.00020; ESP Exome Variant Server 0.00033.
gnomAD v4.1: 230 of 1,614,136 alleles (0.014%); highest among the groups gnomAD compares: Non-Finnish European, 0.017%; no homozygotes.

Submissions (2):

Labcorp Genetics (formerly Invitae), Labcorp
Classification: Likely benign. Last evaluated: 2025-10-15. Review status: criteria provided, single submitter. Criteria: Invitae Variant Classification Sherloc (09022015). Collection method: clinical testing. Allele origin: germline.

PreventionGenetics, part of Exact Sciences
Classification: Likely benign for KIDINS220-related condition. Last evaluated: 2023-12-21. Review status: no assertion criteria provided. Collection method: clinical testing. Allele origin: germline. Not counted in ClinVar's aggregate classification.
Comment: This variant is classified as likely benign based on ACMG/AMP sequence variant interpretation guidelines (Richards et al. 2015 PMID: 25741868, with internal and published modifications).